The following is an entry in ClinVar:

ClinVar aggregate classification (germline): Uncertain significance (1 of 4 stars; one submission).

Submission:

Labcorp Genetics (formerly Invitae), Labcorp
Classification: Uncertain significance. Last evaluated: 2023-10-06. Review status: criteria provided, single submitter. Criteria: Invitae Variant Classification Sherloc (09022015). Collection method: clinical testing. Allele origin: unknown.
Comment: This variant is a gross deletion of the genomic region encompassing exon(s) 2-4 of the ADGRE2 gene, which includes the initiator codon. This deletion extends beyond the assayed region for this gene and therefore may encompass additional genes. It is expected to result in an absent or disrupted protein product. However, the current clinical and genetic evidence is not sufficient to establish whether loss-of-function variants in ADGRE2 cause disease. This variant has not been reported in the literature in individuals affected with ADGRE2-related conditions. In summary, the available evidence is currently insufficient to determine the role of this variant in disease. Therefore, it has been classified as a Variant of Uncertain Significance.

NC_000019.9:g.(?_14884730)_(14887568_?)del

Gene: ADGRE2 (adhesion G protein-coupled receptor E2; minus strand). Cytogenetic location: 19p13.12.
Variant type: Deletion.
Identifiers: ClinVar variation 3242691 (VCV003242691.1).